The following is an entry in ClinVar:

ClinVar aggregate classification (germline): Uncertain significance. Review status: criteria provided, multiple submitters, no conflicts (2 of 4 stars). 2 submissions from 2 submitters: Uncertain significance (2). Last evaluated 2023-03-09.

Allele frequency attached by ClinVar (database versions not stated): gnomAD exomes 0.00004 and 0.00008; ExAC 0.00012; ESP Exome Variant Server 0.00031; 1000 Genomes Project 30x 0.00078; 1000 Genomes Project 0.00080.
gnomAD v4.1: 122 of 1,603,226 alleles (0.0076%); highest among the groups gnomAD compares: African/African-American, 0.14%; no homozygotes.

Submissions (2):

Blueprint Genetics
Classification: Uncertain significance. Last evaluated: 2023-03-09. Review status: criteria provided, single submitter. Criteria: ACMG Guidelines, 2015. Collection method: clinical testing. Allele origin: germline.

Labcorp Genetics (formerly Invitae), Labcorp
Classification: Uncertain significance. Last evaluated: 2021-12-07. Review status: criteria provided, single submitter. Criteria: Invitae Variant Classification Sherloc (09022015). Collection method: clinical testing. Allele origin: germline.
Comment: This sequence change creates a premature translational stop signal (p.Gln533*) in the TOP1MT gene. It is expected to result in an absent or disrupted protein product. However, the current clinical and genetic evidence is not sufficient to establish whether loss-of-function variants in TOP1MT cause disease. This variant is present in population databases (rs149953316, gnomAD 0.1%), and has an allele count higher than expected for a pathogenic variant. This variant has not been reported in the literature in individuals affected with TOP1MT-related conditions. In summary, the available evidence is currently insufficient to determine the role of this variant in disease. Therefore, it has been classified as a Variant of Uncertain Significance.

NM_052963.3(TOP1MT):c.1597C>T (p.Gln533Ter)

Gene: TOP1MT (DNA topoisomerase I mitochondrial; minus strand). Cytogenetic location: 8q24.3.
Variant type: single nucleotide variant.
Coding change: c.1597C>T on transcript NM_052963.3 (MANE Select); coding-DNA position 1597, C replaced by T.
Protein change: p.Gln533Ter; replaces glutamine 533 with a stop codon.
Molecular consequence: nonsense.
Genome position (GRCh38, 1-based): chr8:143,310,174, G>A on the plus strand (C>T on the coding strand, the complement: TOP1MT is on the minus strand). VCF-style: chr8-143310174-G-A. GRCh37 (hg19) VCF-style: chr8-144392344-G-A.
Other names: c.1303C>T, p.Gln435Ter (NM_001258446.1, NM_001258447.1); short protein forms Q533*, Q435*.
Identifiers: ClinVar variation 1421925 (VCV001421925.7), dbSNP rs149953316, ClinGen allele CA4908214.